The following is an entry in ClinVar:

ClinVar aggregate classification (germline): Benign (1 of 4 stars; one submission).

Conditions:
Cataract 18 (CATC2). Also called: CATARACT 18, AUTOSOMAL RECESSIVE. Identifiers: Orphanet 91492, Orphanet 98991, Orphanet 98992, Orphanet 98995, MedGen C1864908, MONDO:0012395, OMIM 610019.

Allele frequency attached by ClinVar (database versions not stated): gnomAD 0.02134 and 0.02289; TOPMed 0.02448; 1000 Genomes Project 0.02516; 1000 Genomes Project 30x 0.02795.

Submission:

Illumina Laboratory Services, Illumina
Classification: Benign for Cataract 18. Last evaluated: 2018-01-13. Review status: criteria provided, single submitter. Criteria: ICSL Variant Classification Criteria 13 December 2019. Collection method: clinical testing. Allele origin: germline.
Comment: This variant was observed in the ICSL laboratory as part of a predisposition screen in an ostensibly healthy population. It had not been previously curated by ICSL or reported in the Human Gene Mutation Database (HGMD: prior to June 1st, 2018), and was therefore a candidate for classification through an automated scoring system. Utilizing variant allele frequency, disease prevalence and penetrance estimates, and inheritance mode, an automated score was calculated to assess if this variant is too frequent to cause the disease. Based on the score and internal cut-off values, a variant classified as benign is not then subjected to further curation. The score for this variant resulted in a classification of benign for this disease.

NM_024513.4(FYCO1):c.*2060C>A

Gene: FYCO1 (FYVE and coiled-coil domain autophagy adaptor 1; minus strand). Cytogenetic location: 3p21.31.
Variant type: single nucleotide variant.
Coding change: c.*2060C>A on transcript NM_024513.4 (MANE Select); 2060 bases downstream of the stop codon, C replaced by A.
Molecular consequence: 3 prime UTR variant.
Genome position (GRCh38, 1-based): chr3:45,919,705, G>T on the plus strand (C>A on the coding strand, the complement: FYCO1 is on the minus strand). VCF-style: chr3-45919705-G-T. GRCh37 (hg19) VCF-style: chr3-45961197-G-T.
Identifiers: ClinVar variation 345463 (VCV000345463.5), dbSNP rs75347427, ClinGen allele CA10616028.